The following is an entry in ClinVar:

ClinVar aggregate classification (germline): Likely benign (0 of 4 stars; one submission).

Conditions:
MC3R-related disorder. Also called: MC3R-related condition.

Submission:

PreventionGenetics, part of Exact Sciences
Classification: Likely benign for MC3R-related condition. Last evaluated: 2022-09-23. Review status: no assertion criteria provided. Collection method: clinical testing. Allele origin: germline.
Comment: This variant is classified as likely benign based on ACMG/AMP sequence variant interpretation guidelines (Richards et al. 2015 PMID: 25741868, with internal and published modifications).

NM_019888.3(MC3R):c.381C>T (p.Ser127=)

Gene: MC3R (melanocortin 3 receptor; plus strand). Cytogenetic location: 20q13.2.
Variant type: single nucleotide variant.
Coding change: c.381C>T on transcript NM_019888.3 (MANE Select); coding-DNA position 381, C replaced by T.
Protein change: p.Ser127=; no amino-acid change (serine 127 retained).
Molecular consequence: synonymous variant.
Genome position (GRCh38, 1-based): chr20:56,249,224, C>T. VCF-style: chr20-56249224-C-T. GRCh37 (hg19) VCF-style: chr20-54824280-C-T.
Identifiers: ClinVar variation 3352390 (VCV003352390.1).